The following is an entry in ClinVar:

ClinVar aggregate classification (germline): Uncertain significance. Review status: criteria provided, multiple submitters, no conflicts (2 of 4 stars). 3 submissions from 3 submitters: Uncertain significance (2). 1 of the submissions does not count toward it. Last evaluated 2025-10-26.

Conditions:
Hereditary spastic paraplegia 49 (HSAN9). Also called: Spastic paraplegia 49, autosomal recessive; NEUROPATHY, HEREDITARY SENSORY AND AUTONOMIC, TYPE IX, WITH DEVELOPMENTAL DELAY; TECPR2-Related Hereditary Sensory and Autonomic Neuropathy with Intellectual Disability. Identifiers: Orphanet 320385, MedGen C5190860, MONDO:0014016, OMIM 615031.

Allele frequency attached by ClinVar (database versions not stated): gnomAD 0.00001.
gnomAD v4.1: 5 of 1,613,108 alleles (0.00031%); highest among the groups gnomAD compares: Admixed American, 0.0017%; no homozygotes.

Submissions (3):

Labcorp Genetics (formerly Invitae), Labcorp
Classification: Uncertain significance for Hereditary spastic paraplegia 49. Last evaluated: 2025-10-26. Review status: criteria provided, single submitter. Criteria: Invitae Variant Classification Sherloc (09022015). Collection method: clinical testing. Allele origin: germline.
Comment: This sequence change replaces arginine, which is basic and polar, with histidine, which is basic and polar, at codon 843 of the TECPR2 protein (p.Arg843His). This variant is not present in population databases (gnomAD no frequency). This variant has not been reported in the literature in individuals affected with TECPR2-related conditions. ClinVar contains an entry for this variant (Variation ID: 990797). An algorithm developed to predict the effect of missense changes on protein structure and function (PolyPhen-2) suggests that this variant is likely to be tolerated. In summary, the available evidence is currently insufficient to determine the role of this variant in disease. Therefore, it has been classified as a Variant of Uncertain Significance.

Fulgent Genetics
Classification: Uncertain significance for Hereditary spastic paraplegia 49. Last evaluated: 2021-12-16. Review status: criteria provided, single submitter. Criteria: ACMG Guidelines, 2015. Collection method: clinical testing. Allele origin: unknown.

Natera, Inc.
Classification: Uncertain significance for Autosomal recessive spastic paraplegia type 49. Last evaluated: 2020-04-17. Review status: no assertion criteria provided. Collection method: clinical testing. Allele origin: germline. Not counted in ClinVar's aggregate classification.

NM_014844.5(TECPR2):c.2528G>A (p.Arg843His)

Genes: TECPR2 (tectonin beta-propeller repeat containing 2; plus strand), LOC130056519 (ATAC-STARR-seq lymphoblastoid silent region 6116; plus strand). Cytogenetic location: 14q32.31.
Variant type: single nucleotide variant.
Coding change: c.2528G>A on transcript NM_014844.5 (MANE Select); coding-DNA position 2528, G replaced by A.
Protein change: p.Arg843His; replaces arginine 843 with histidine.
Molecular consequence: missense variant.
Genome position (GRCh38, 1-based): chr14:102,438,155, G>A. VCF-style: chr14-102438155-G-A. GRCh37 (hg19) VCF-style: chr14-102904492-G-A.
Other names: c.2528G>A, p.Arg843His (NM_001172631.3); short protein forms R843H.
Identifiers: ClinVar variation 990797 (VCV000990797.3), dbSNP rs765981384, ClinGen allele CA391065980.